The following is an entry in ClinVar:

NM_001171.6(ABCC6):c.1986C>T (p.Val662=)

Gene: ABCC6 (ATP binding cassette subfamily C member 6; minus strand). Cytogenetic location: 16p13.11.
Variant type: single nucleotide variant.
Coding change: c.1986C>T on transcript NM_001171.6 (MANE Select); coding-DNA position 1986, C replaced by T.
Protein change: p.Val662=; no amino-acid change (valine 662 retained).
Molecular consequence: synonymous variant. On other transcripts: non-coding transcript variant (1).
Genome position (GRCh38, 1-based): chr16:16,182,888, G>A on the plus strand (C>T on the coding strand, the complement: ABCC6 is on the minus strand). VCF-style: chr16-16182888-G-A. GRCh37 (hg19) VCF-style: chr16-16276745-G-A.
Other names: c.1644C>T, p.Val548= (NM_001351800.1); c.1986C>T (NM_001171.5).
Identifiers: ClinVar variation 1672921 (VCV001672921.10), dbSNP rs760798025, ClinGen allele CA7926065.

ClinVar aggregate classification (germline): Likely benign. Review status: criteria provided, multiple submitters, no conflicts (2 of 4 stars). 3 submissions from 3 submitters: Likely benign (3). Last evaluated 2025-11-08.

Conditions:
ABCC6-related disorder. Also called: ABCC6-related condition.

Allele frequency attached by ClinVar (database versions not stated): ExAC 0.00003; gnomAD exomes 0.00004; gnomAD 0.00007; TOPMed 0.00007.
gnomAD v4.1: 57 of 1,614,026 alleles (0.0035%); highest among the groups gnomAD compares: African/African-American, 0.024%; no homozygotes.

Submissions (3):

Labcorp Genetics (formerly Invitae), Labcorp
Classification: Likely benign. Last evaluated: 2025-11-08. Review status: criteria provided, single submitter. Criteria: Invitae Variant Classification Sherloc (09022015). Collection method: clinical testing. Allele origin: germline.

PreventionGenetics, part of Exact Sciences
Classification: Likely benign for ABCC6-related condition. Last evaluated: 2025-05-20. Review status: criteria provided, single submitter. Criteria: ACMG Guidelines, 2015. Collection method: clinical testing. Allele origin: germline.
Comment: This variant is classified as likely benign based on ACMG/AMP sequence variant interpretation guidelines (Richards et al. 2015 PMID: 25741868, with internal and published modifications).

Blueprint Genetics
Classification: Likely benign. Last evaluated: 2022-09-16. Review status: criteria provided, single submitter. Criteria: ACMG Guidelines, 2015. Collection method: clinical testing. Allele origin: germline.